The following is an entry in ClinVar:

ClinVar aggregate classification (germline): Likely benign (1 of 4 stars; one submission).

Allele frequency attached by ClinVar (database versions not stated): ExAC 0.00002; gnomAD 0.00002; TOPMed 0.00002; ESP Exome Variant Server 0.00008.
gnomAD v4.1: 57 of 1,581,392 alleles (0.0036%); highest among the groups gnomAD compares: Non-Finnish European, 0.0045%; no homozygotes.

Submission:

CeGaT Center for Human Genetics Tuebingen
Classification: Likely benign. Last evaluated: 2024-04-01. Review status: criteria provided, single submitter. Criteria: CeGaT Center For Human Genetics Tuebingen Variant Classification Criteria Version 2. Collection method: clinical testing. Allele origin: germline. Affected: yes. Observed: 1 variant allele.
Comment: COX16: BP4, BP7

NM_016468.7(COX16):c.210C>T (p.Ile70=)

Genes: COX16 (cytochrome c oxidase assembly factor COX16; minus strand), SYNJ2BP-COX16 (SYNJ2BP-COX16 readthrough; minus strand). Cytogenetic location: 14q24.2.
Variant type: single nucleotide variant.
Coding change: c.210C>T on transcript NM_016468.7 (MANE Select); coding-DNA position 210, C replaced by T.
Protein change: p.Ile70=; no amino-acid change (isoleucine 70 retained).
Molecular consequence: synonymous variant.
Genome position (GRCh38, 1-based): chr14:70,326,444, G>A on the plus strand (C>T on the coding strand, the complement: COX16 is on the minus strand). VCF-style: chr14-70326444-G-A. GRCh37 (hg19) VCF-style: chr14-70793161-G-A.
Other names: c.465C>T, p.Ile155= (NM_001202547.2); c.438C>T, p.Ile146= (NM_001202548.2); c.366C>T, p.Ile122= (NM_001202549.2); c.138C>T, p.Ile46= (NM_001204090.2).
Identifiers: ClinVar variation 3234511 (VCV003234511.20), dbSNP rs146019798, ClinGen allele CA7247872.